The following is an entry in ClinVar:

ClinVar aggregate classification (germline): Uncertain significance (1 of 4 stars; one submission).

Conditions:
MEGF8-related Carpenter syndrome. Also called: Carpenter syndrome 2. Identifiers: Orphanet 65759, MedGen C3554247, MONDO:0013998, OMIM 614976.

Allele frequency attached by ClinVar (database versions not stated): ExAC 0.00001; gnomAD exomes 0.00001; gnomAD 0.00004; TOPMed 0.00005.
gnomAD v4.1: 19 of 1,597,138 alleles (0.0012%); highest among the groups gnomAD compares: African/African-American, 0.0094%; no homozygotes.

Submission:

Labcorp Genetics (formerly Invitae), Labcorp
Classification: Uncertain significance for MEGF8-related Carpenter syndrome. Last evaluated: 2023-09-27. Review status: criteria provided, single submitter. Criteria: Invitae Variant Classification Sherloc (09022015). Collection method: clinical testing. Allele origin: germline.
Comment: In summary, the available evidence is currently insufficient to determine the role of this variant in disease. Therefore, it has been classified as a Variant of Uncertain Significance. Variants that disrupt the consensus splice site are a relatively common cause of aberrant splicing (PMID: 17576681, 9536098). Algorithms developed to predict the effect of sequence changes on RNA splicing suggest that this variant is not likely to affect RNA splicing. This variant has not been reported in the literature in individuals affected with MEGF8-related conditions. This variant is present in population databases (rs778617366, gnomAD 0.008%). This sequence change falls in intron 22 of the MEGF8 gene. It does not directly change the encoded amino acid sequence of the MEGF8 protein. It affects a nucleotide within the consensus splice site.

Literature cited by the submitters: PubMed 17576681; PubMed 9536098.

NM_001271938.2(MEGF8):c.4144+4C>T

Gene: MEGF8 (multiple EGF like domains 8; plus strand). Cytogenetic location: 19q13.2.
Variant type: single nucleotide variant.
Coding change: c.4144+4C>T on transcript NM_001271938.2 (MANE Select); 4 bases into the intron after coding-DNA position 4144, C replaced by T.
Molecular consequence: intron variant.
Genome position (GRCh38, 1-based): chr19:42,354,724, C>T. VCF-style: chr19-42354724-C-T. GRCh37 (hg19) VCF-style: chr19-42858876-C-T.
Other names: c.3943+4C>T (NM_001410.3).
Identifiers: ClinVar variation 2708093 (VCV002708093.1), dbSNP rs778617366, ClinGen allele CA9475181.